The following is an entry in ClinVar:

NM_000245.4(MET):c.1051C>T (p.Pro351Ser)

Gene: MET (MET proto-oncogene, receptor tyrosine kinase; plus strand). Cytogenetic location: 7q31.2.
Variant type: single nucleotide variant.
Coding change: c.1051C>T on transcript NM_000245.4 (MANE Select); coding-DNA position 1051, C replaced by T.
Protein change: p.Pro351Ser; replaces proline 351 with serine.
Molecular consequence: missense variant. On other transcripts: intron variant (1).
Genome position (GRCh38, 1-based): chr7:116,700,135, C>T. VCF-style: chr7-116700135-C-T. GRCh37 (hg19) VCF-style: chr7-116340189-C-T.
Other names: c.1051C>T, p.Pro351Ser (NM_001127500.3, NM_001324401.3); c.-91+27558C>T (NM_001324402.2); short protein forms P351S.
Identifiers: ClinVar variation 664403 (VCV000664403.11), dbSNP rs587782807, ClinGen allele CA368970433.

ClinVar aggregate classification (germline): Conflicting classifications of pathogenicity. Review status: criteria provided, conflicting classifications (1 of 4 stars). 2 submissions from 2 submitters: Uncertain significance (1); Likely benign (1). Last evaluated 2025-07-18.

Conditions:
Hereditary cancer-predisposing syndrome. Also called: Tumor predisposition; Hereditary neoplastic syndrome; Neoplastic Syndromes, Hereditary; Hereditary Cancer Syndrome. Identifiers: Orphanet 140162, MedGen C0027672, MeSH D009386, MONDO:0015356.
Renal cell carcinoma. Identifiers: Orphanet 217071, MedGen C0007134, MeSH D002292, MONDO:0005086, HP:0005584.

gnomAD v4.1: 2 of 1,599,320 alleles (0.00013%); highest among the groups gnomAD compares: Non-Finnish European, 0.00017%; no homozygotes.

Submissions (2):

Ambry Genetics
Classification: Likely benign for Hereditary cancer-predisposing syndrome. Last evaluated: 2025-07-18. Review status: criteria provided, single submitter. Criteria: Ambry Variant Classification Scheme 2023. Collection method: clinical testing. Allele origin: germline.

Labcorp Genetics (formerly Invitae), Labcorp
Classification: Uncertain significance for Renal cell carcinoma. Last evaluated: 2025-02-09. Review status: criteria provided, single submitter. Criteria: Invitae Variant Classification Sherloc (09022015). Collection method: clinical testing. Allele origin: germline.
Comment: This sequence change replaces proline, which is neutral and non-polar, with serine, which is neutral and polar, at codon 351 of the MET protein (p.Pro351Ser). This variant is not present in population databases (gnomAD no frequency). This variant has not been reported in the literature in individuals affected with MET-related conditions. ClinVar contains an entry for this variant (Variation ID: 664403). Invitae Evidence Modeling of protein sequence and biophysical properties (such as structural, functional, and spatial information, amino acid conservation, physicochemical variation, residue mobility, and thermodynamic stability) has been performed for this missense variant. However, the output from this modeling did not meet the statistical confidence thresholds required to predict the impact of this variant on MET protein function. In summary, the available evidence is currently insufficient to determine the role of this variant in disease. Therefore, it has been classified as a Variant of Uncertain Significance.